The following is an entry in ClinVar:

ClinVar aggregate classification (germline): Uncertain significance (1 of 4 stars; one submission).

Allele frequency attached by ClinVar (database versions not stated): TOPMed 0.00001; ExAC 0.00002; gnomAD 0.00002; gnomAD exomes 0.00002; 1000 Genomes Project 0.00020; 1000 Genomes Project 30x 0.00031.
gnomAD v4.1: 14 of 1,614,170 alleles (0.00087%); highest among the groups gnomAD compares: Admixed American, 0.02%; no homozygotes.

Submission:

Labcorp Genetics (formerly Invitae), Labcorp
Classification: Uncertain significance. Last evaluated: 2023-08-04. Review status: criteria provided, single submitter. Criteria: Invitae Variant Classification Sherloc (09022015). Collection method: clinical testing. Allele origin: germline.
Comment: In summary, the available evidence is currently insufficient to determine the role of this variant in disease. Therefore, it has been classified as a Variant of Uncertain Significance. Algorithms developed to predict the effect of missense changes on protein structure and function output the following: SIFT: "Not Available"; PolyPhen-2: "Benign"; Align-GVGD: "Not Available". The leucine amino acid residue is found in multiple mammalian species, which suggests that this missense change does not adversely affect protein function. ClinVar contains an entry for this variant (Variation ID: 2172346). This variant has not been reported in the literature in individuals affected with MTHFS-related conditions. This variant is present in population databases (rs201569682, gnomAD 0.03%). This sequence change replaces proline, which is neutral and non-polar, with leucine, which is neutral and non-polar, at codon 112 of the MTHFS protein (p.Pro112Leu).

NM_006441.4(MTHFS):c.335C>T (p.Pro112Leu)

Genes: MTHFS (methenyltetrahydrofolate synthetase; minus strand), ST20-MTHFS (ST20-MTHFS readthrough; minus strand). Cytogenetic location: 15q25.1.
Variant type: single nucleotide variant.
Coding change: c.335C>T on transcript NM_006441.4 (MANE Select); coding-DNA position 335, C replaced by T.
Protein change: p.Pro112Leu; replaces proline 112 with leucine.
Molecular consequence: missense variant. On other transcripts: non-coding transcript variant (1).
Genome position (GRCh38, 1-based): chr15:79,889,137, G>A on the plus strand (C>T on the coding strand, the complement: MTHFS is on the minus strand). VCF-style: chr15-79889137-G-A. GRCh37 (hg19) VCF-style: chr15-80181479-G-A.
Other names: c.263C>T, p.Pro88Leu (NM_001199760.2); c.164C>T, p.Pro55Leu (NM_001199758.1); short protein forms P88L, P55L, P112L.
Identifiers: ClinVar variation 2172346 (VCV002172346.4), dbSNP rs201569682, ClinGen allele CA7690313.
Genomic context (GRCh38, chr15:79,889,137, plus strand): 5'-ACACCATAATACTCACCTGTGGACAAGGCCTCCTCCCGAACATCACCCTCACCAGGCTGA[G>A]GGATATTCCAGGATGTTTTGGGAAGTAAAGAAATTTCCTCTGGTGATTCTATTCTCACCA-3'
Protein context (NP_006432.1, residues 102-122): SLLPKTSWNI[Pro112Leu]QPGEGDVREE